The following is an entry in ClinVar:

NM_001394807.1(ADPRHL1):c.744C>T (p.Pro248=)

Gene: ADPRHL1 (ADP-ribosylhydrolase like 1; minus strand). Cytogenetic location: 13q34.
Variant type: single nucleotide variant.
Coding change: c.744C>T on transcript NM_001394807.1 (MANE Select); coding-DNA position 744, C replaced by T.
Protein change: p.Pro248=; no amino-acid change (proline 248 retained).
Molecular consequence: synonymous variant.
Genome position (GRCh38, 1-based): chr13:113,425,082, G>A on the plus strand (C>T on the coding strand, the complement: ADPRHL1 is on the minus strand). VCF-style: chr13-113425082-G-A. GRCh37 (hg19) VCF-style: chr13-114079397-G-A.
Other names: c.744C>T, p.Pro248= (NM_138430.5); c.498C>T, p.Pro166= (NM_199162.3).
Identifiers: ClinVar variation 4083678 (VCV004083678.8).

ClinVar aggregate classification (germline): Likely benign (1 of 4 stars; one submission).

gnomAD v4.1: 312 of 1,613,508 alleles (0.019%); highest among the groups gnomAD compares: Middle Eastern, 0.23%; no homozygotes.

Submission:

CeGaT Center for Human Genetics Tuebingen
Classification: Likely benign. Last evaluated: 2025-07-01. Review status: criteria provided, single submitter. Criteria: CeGaT Center For Human Genetics Tuebingen Variant Classification Criteria Version 2. Collection method: clinical testing. Allele origin: germline. Affected: yes. Observed: 1 variant allele.
Comment: ADPRHL1: BP4, BP7